The following is an entry in ClinVar:

NM_003718.5(CDK13):c.1987A>T (p.Lys663Ter)

Gene: CDK13 (cyclin dependent kinase 13; plus strand). Cytogenetic location: 7p14.1.
Variant type: single nucleotide variant.
Coding change: c.1987A>T on transcript NM_003718.5 (MANE Select); coding-DNA position 1987, A replaced by T.
Protein change: p.Lys663Ter; replaces lysine 663 with a stop codon.
Molecular consequence: nonsense.
Genome position (GRCh38, 1-based): chr7:39,997,609, A>T. VCF-style: chr7-39997609-A-T. GRCh37 (hg19) VCF-style: chr7-40037208-A-T.
Other names: c.1987A>T, p.Lys663Ter (NM_031267.4); short protein forms K663*.
Identifiers: ClinVar variation 3233454 (VCV003233454.2), dbSNP rs1321687875, ClinGen allele CA367287438.

ClinVar aggregate classification (germline): Pathogenic (1 of 4 stars; one submission).

Conditions:
Congenital heart defects, dysmorphic facial features, and intellectual developmental disorder (CHDFIDD). Identifiers: Orphanet 646278, MedGen C4479246, MONDO:0044302, OMIM 617360.

Submission:

Women's Health and Genetics/Laboratory Corporation of America, LabCorp
Classification: Pathogenic for Congenital heart defects, dysmorphic facial features, and intellectual developmental disorder. Last evaluated: 2024-03-13. Review status: criteria provided, single submitter. Criteria: LabCorp Variant Classification Summary - May 2015. Collection method: clinical testing. Allele origin: germline.
Comment: Variant summary: CDK13 c.1987A>T (p.Lys663X) results in a premature termination codon, predicted to cause a truncation of the encoded protein or absence of the protein due to nonsense mediated decay, which are commonly known mechanisms for disease. The variant was absent in 250826 control chromosomes. To our knowledge, no occurrence of c.1987A>T in individuals affected with Congenital Heart Defects, Dysmorphic Facial Features, And Intellectual Developmental Disorder and no experimental evidence demonstrating its impact on protein function have been reported. No submitters have cited clinical-significance assessments for this variant to ClinVar. Based on the evidence outlined above, the variant was classified as pathogenic.